The following is an entry in ClinVar:

ClinVar aggregate classification (germline): Uncertain significance (1 of 4 stars; one submission).

Submission:

Labcorp Genetics (formerly Invitae), Labcorp
Classification: Uncertain significance. Last evaluated: 2023-12-30. Review status: criteria provided, single submitter. Criteria: Invitae Variant Classification Sherloc (09022015). Collection method: clinical testing. Allele origin: germline.
Comment: This sequence change falls in intron 1 of the DLX3 gene. It does not directly change the encoded amino acid sequence of the DLX3 protein. Information on the frequency of this variant in the gnomAD database is not available, as this variant may be reported differently in the database. This variant has not been reported in the literature in individuals affected with DLX3-related conditions. Experimental studies and prediction algorithms are not available or were not evaluated, and the effect of this variant on mRNA splicing is currently unknown. In summary, the available evidence is currently insufficient to determine the role of this variant in disease. Therefore, it has been classified as a Variant of Uncertain Significance.

NM_005220.3(DLX3):c.326-20_326-19delinsTT

Gene: DLX3 (distal-less homeobox 3; minus strand). Cytogenetic location: 17q21.33.
Variant type: Indel.
Coding change: c.326-20_326-19delinsTT on transcript NM_005220.3 (MANE Select); 20 bases into the intron before coding-DNA position 326 through 19 bases into the intron before coding-DNA position 326, GC replaced by TT.
Molecular consequence: intron variant.
Genome position (GRCh38, 1-based): chr17:49,993,609-49,993,610, GC replaced by AA on the plus strand (GC replaced by TT on the coding strand, the reverse complement: DLX3 is on the minus strand). VCF-style: chr17-49993609-GC-AA. GRCh37 (hg19) VCF-style: chr17-48070973-GC-AA.
Identifiers: ClinVar variation 2784701 (VCV002784701.3), dbSNP rs2544349206, ClinGen allele CA2739268210.